The following is an entry in ClinVar:

NM_138775.3(ALKBH8):c.1966A>C (p.Asn656His)

Gene: ALKBH8 (alkB homolog 8, tRNA methyltransferase; minus strand). Cytogenetic location: 11q22.3.
Variant type: single nucleotide variant.
Coding change: c.1966A>C on transcript NM_138775.3 (MANE Select); coding-DNA position 1966, A replaced by C.
Protein change: p.Asn656His; replaces asparagine 656 with histidine.
Molecular consequence: missense variant. On other transcripts: non-coding transcript variant (6).
Genome position (GRCh38, 1-based): chr11:107,504,687, T>G on the plus strand (A>C on the coding strand, the complement: ALKBH8 is on the minus strand). VCF-style: chr11-107504687-T-G. GRCh37 (hg19) VCF-style: chr11-107375413-T-G.
Other names: c.1966A>C, p.Asn656His (NM_001301010.3); c.1816A>C, p.Asn606His (NM_001378133.1); short protein forms N606H, N656H.
Identifiers: ClinVar variation 1712708 (VCV001712708.3), dbSNP rs1565307598, ClinGen allele CA382494048.

ClinVar aggregate classification (germline): Uncertain significance (1 of 4 stars; one submission).

Allele frequency attached by ClinVar (database versions not stated): gnomAD exomes 0.00001; TOPMed below 0.00001.
gnomAD v4.1: 10 of 1,549,326 alleles (0.00065%); highest among the groups gnomAD compares: African/African-American, 0.0014%; no homozygotes.

Submission:

GeneDx
Classification: Uncertain significance. Last evaluated: 2025-04-29. Review status: criteria provided, single submitter. Criteria: GeneDx Variant Classification Process June 2021. Collection method: clinical testing. Allele origin: germline.
Comment: In silico analysis supports that this missense variant has a deleterious effect on protein structure/function; Not observed at significant frequency in large population cohorts (gnomAD); Has not been previously published as pathogenic or benign to our knowledge